The following is an entry in ClinVar:

ClinVar aggregate classification (germline): Uncertain significance. Review status: criteria provided, single submitter (1 of 4 stars). 2 submissions from 2 submitters: Uncertain significance (1). 1 of the submissions does not count toward it. Last evaluated 2017-09-12.

Conditions:
GPBAR1-related disorder. Also called: GPBAR1-related condition.

Allele frequency attached by ClinVar (database versions not stated): gnomAD exomes 0.00002 and 0.00003; ExAC 0.00003; gnomAD 0.00003 and 0.00004; TOPMed 0.00005.

Submissions (2):

Eurofins Ntd Llc (ga)
Classification: Uncertain significance. Last evaluated: 2017-09-12. Review status: criteria provided, single submitter. Criteria: EGL Classification Definitions 2015. Collection method: clinical testing. Allele origin: germline. Observed: 1 variant allele, 1 heterozygote.

PreventionGenetics, part of Exact Sciences
Classification: Likely benign for GPBAR1-related condition. Last evaluated: 2024-05-21. Review status: no assertion criteria provided. Collection method: clinical testing. Allele origin: germline. Not counted in ClinVar's aggregate classification.
Comment: This variant is classified as likely benign based on ACMG/AMP sequence variant interpretation guidelines (Richards et al. 2015 PMID: 25741868, with internal and published modifications).

NM_170699.3(GPBAR1):c.321C>T (p.His107=)

Gene: GPBAR1 (G protein-coupled bile acid receptor 1; plus strand). Cytogenetic location: 2q35.
Variant type: single nucleotide variant.
Coding change: c.321C>T on transcript NM_170699.3 (MANE Select); coding-DNA position 321, C replaced by T.
Protein change: p.His107=; no amino-acid change (histidine 107 retained).
Molecular consequence: synonymous variant.
Genome position (GRCh38, 1-based): chr2:218,263,045, C>T. VCF-style: chr2-218263045-C-T. GRCh37 (hg19) VCF-style: chr2-219127768-C-T.
Other names: c.321C>T, p.His107= (NM_001077191.2, NM_001077194.2, NM_001321950.2); c.321C>T (NM_001321950.1).
Identifiers: ClinVar variation 594057 (VCV000594057.7), dbSNP rs199941566, ClinGen allele CA2102554.